The following is an entry in ClinVar:

ClinVar aggregate classification (germline): Uncertain significance (1 of 4 stars; one submission).

Conditions:
NPHP1-related disorder. Also called: NPHP1-related disorders; NPHP1-related condition.

gnomAD v4.1: 2 of 1,608,846 alleles (0.00012%); highest among the groups gnomAD compares: Non-Finnish European, 0.00017%; no homozygotes.

Submission:

PreventionGenetics, part of Exact Sciences
Classification: Uncertain significance for NPHP1-related condition. Last evaluated: 2026-05-08. Review status: criteria provided, single submitter. Criteria: ACMG Guidelines, 2015. Collection method: clinical testing. Allele origin: germline.
Comment: The NPHP1 c.1598C>T variant is predicted to result in the amino acid substitution p.Ala533Val. This variant affects the first nucleotide of exon 16 of NPHP1 and is predicted to alter splicing based on available splicing prediction software (SpliceAI, Jaganathan et al. 2019. PubMed ID: 30661751). However, the use of computer prediction software is not equivalent to functional evidence. To our knowledge, this variant has not been reported in the literature. This variant is reported in 0.00088% of alleles in individuals of European (Non-Finnish) descent in gnomAD. At this time, the clinical significance of this variant is uncertain due to the absence of conclusive functional and genetic evidence.

NM_001128178.3(NPHP1):c.1430C>T (p.Ala477Val)

Gene: NPHP1 (nephrocystin 1; minus strand). Cytogenetic location: 2q13.
Variant type: single nucleotide variant.
Coding change: c.1430C>T on transcript NM_001128178.3 (MANE Select); coding-DNA position 1430, C replaced by T.
Protein change: p.Ala477Val; replaces alanine 477 with valine.
Molecular consequence: missense variant.
Genome position (GRCh38, 1-based): chr2:110,143,641, G>A on the plus strand (C>T on the coding strand, the complement: NPHP1 is on the minus strand). VCF-style: chr2-110143641-G-A. GRCh37 (hg19) VCF-style: chr2-110901218-G-A.
Other names: c.1598C>T, p.Ala533Val (NM_000272.5); c.1241C>T, p.Ala414Val (NM_001128179.3); c.1427C>T, p.Ala476Val (NM_001374256.1); c.1430C>T, p.Ala477Val (NM_001374257.1); c.1595C>T, p.Ala532Val (NM_207181.4); short protein forms A477V, A414V, A476V, A532V, A533V.
Identifiers: ClinVar variation 4990371 (VCV004990371.1).